The following is an entry in ClinVar:

ClinVar aggregate classification (germline): Likely benign (1 of 4 stars; one submission).

Submissions (6):

GeneDx
Classification: Likely benign. Last evaluated: 2018-07-05. Review status: criteria provided, single submitter. Criteria: GeneDx Variant Classification Process June 2021. Collection method: clinical testing. Allele origin: germline. Affected: yes.
Comment: See Variant Classification Assertion Criteria.

Dr. Peter K. Rogan Lab, Western University
No classification provided (evidence only). Condition: Cervical cancer. Review status: no classification provided. Collection method: in vitro. Allele origin: not applicable. Functional consequence: retained intron. Not counted in ClinVar's aggregate classification.

Dr. Peter K. Rogan Lab, Western University
No classification provided (evidence only). Condition: Cervical cancer. Review status: no classification provided. Collection method: in vitro. Allele origin: not applicable. Functional consequence: retained intron. Not counted in ClinVar's aggregate classification.

Dr. Peter K. Rogan Lab, Western University
No classification provided (evidence only). Condition: Cervical cancer. Review status: no classification provided. Collection method: in vitro. Allele origin: not applicable. Functional consequence: retained intron. Not counted in ClinVar's aggregate classification.

Dr. Peter K. Rogan Lab, Western University
No classification provided (evidence only). Condition: Sarcoma. Review status: no classification provided. Collection method: in vitro. Allele origin: not applicable. Functional consequence: retained intron. Not counted in ClinVar's aggregate classification.

Dr. Peter K. Rogan Lab, Western University
No classification provided (evidence only). Condition: Ovarian serous cystadenocarcinoma. Review status: no classification provided. Collection method: in vitro. Allele origin: not applicable. Functional consequence: retained intron. Not counted in ClinVar's aggregate classification.

NM_144691.4(CAPN12):c.1879-89A>G

Gene: CAPN12 (calpain 12; minus strand). Cytogenetic location: 19q13.2.
Variant type: single nucleotide variant.
Coding change: c.1879-89A>G on transcript NM_144691.4 (MANE Select); 89 bases into the intron before coding-DNA position 1879, A replaced by G.
Molecular consequence: intron variant.
Genome position (GRCh38, 1-based): chr19:38,733,870, T>C on the plus strand (A>G on the coding strand, the complement: CAPN12 is on the minus strand). VCF-style: chr19-38733870-T-C. GRCh37 (hg19) VCF-style: chr19-39224510-T-C.
Other names: NC_000019.9:g.39224510T>C.
Identifiers: ClinVar variation 4439583 (VCV004439583.2).
Genomic context (GRCh38, chr19:38,733,870, plus strand): 5'-CCTCCATGCCCTGAAGAGGGCTGCCAATGGGGCCTCCCAGGCAAGACAGCCTGGTGCCCA[T>C]CCCAACTCCCTTTCTTCTGGTGTGGACCCCCAGCAAGCAGCCTAGCCACTTGGGACTTCT-3'